The following is an entry in ClinVar:

ClinVar aggregate classification (germline): Uncertain significance (1 of 4 stars; one submission).

Allele frequency attached by ClinVar (database versions not stated): gnomAD exomes below 0.00001; gnomAD 0.00001; TOPMed 0.00002.
gnomAD v4.1: 3 of 1,614,100 alleles (0.00019%); highest among the groups gnomAD compares: Admixed American, 0.0033%; no homozygotes.

Submission:

Ambry Genetics
Classification: Uncertain significance. Last evaluated: 2024-08-14. Review status: criteria provided, single submitter. Criteria: Ambry Variant Classification Scheme 2023. Collection method: clinical testing. Allele origin: germline.
Comment: The p.N209S variant (also known as c.626A>G), located in coding exon 1 of the PALLD gene, results from an A to G substitution at nucleotide position 626. The asparagine at codon 209 is replaced by serine, an amino acid with highly similar properties. This amino acid position is conserved. In addition, this alteration is predicted to be tolerated by in silico analysis. Since supporting evidence is limited at this time, the clinical significance of this alteration remains unclear.

NM_001166108.2(PALLD):c.626A>G (p.Asn209Ser)

Gene: PALLD (palladin, cytoskeletal associated protein; plus strand). Cytogenetic location: 4q32.3.
Variant type: single nucleotide variant.
Coding change: c.626A>G on transcript NM_001166108.2 (MANE Select); coding-DNA position 626, A replaced by G.
Protein change: p.Asn209Ser; replaces asparagine 209 with serine.
Molecular consequence: missense variant.
Genome position (GRCh38, 1-based): chr4:168,512,130, A>G. VCF-style: chr4-168512130-A-G. GRCh37 (hg19) VCF-style: chr4-169433281-A-G.
Other names: c.626A>G, p.Asn209Ser (NM_016081.4); short protein forms N209S.
Identifiers: ClinVar variation 1752532 (VCV001752532.3), dbSNP rs1189725670, ClinGen allele CA358727486.